The following is an entry in ClinVar:

ClinVar aggregate classification (germline): Conflicting classifications of pathogenicity. Review status: criteria provided, conflicting classifications (1 of 4 stars). 4 submissions from 4 submitters: Uncertain significance (2); Likely benign (2). Last evaluated 2025-02-12.

Conditions:
MYH14-related disorder. Also called: MYH14-related condition.
Inborn genetic diseases. Identifiers: MedGen C0950123, MeSH D030342.
Autosomal dominant nonsyndromic hearing loss 4A. Also called: Deafness, autosomal dominant 4A. Identifiers: Orphanet 90635, MedGen C1833503, MONDO:0010915, OMIM 600652.
Peripheral neuropathy-myopathy-hoarseness-hearing loss syndrome. Identifiers: Orphanet 397744, MedGen C3280556, MONDO:0013711, OMIM 614369.

Allele frequency attached by ClinVar (database versions not stated): gnomAD exomes 0.00004.
gnomAD v4.1: 69 of 1,588,494 alleles (0.0043%); highest among the groups gnomAD compares: South Asian, 0.017%; 1 homozygote.

Submissions (4):

PreventionGenetics, part of Exact Sciences
Classification: Likely benign for MYH14-related condition. Last evaluated: 2025-02-12. Review status: criteria provided, single submitter. Criteria: ACMG Guidelines, 2015. Collection method: clinical testing. Allele origin: germline.
Comment: This variant is classified as likely benign based on ACMG/AMP sequence variant interpretation guidelines (Richards et al. 2015 PMID: 25741868, with internal and published modifications).

Labcorp Genetics (formerly Invitae), Labcorp
Classification: Likely benign. Last evaluated: 2022-04-08. Review status: criteria provided, single submitter. Criteria: Invitae Variant Classification Sherloc (09022015). Collection method: clinical testing. Allele origin: germline.

Ambry Genetics
Classification: Uncertain significance for Inborn genetic diseases. Last evaluated: 2022-03-16. Review status: criteria provided, single submitter. Criteria: Ambry Variant Classification Scheme 2023. Collection method: clinical testing. Allele origin: germline.

Department of Pathology and Laboratory Medicine, Sinai Health System
Classification: Uncertain significance for Autosomal dominant nonsyndromic hearing loss 4A; Peripheral neuropathy-myopathy-hoarseness-hearing loss syndrome. Last evaluated: 2021-09-16. Review status: criteria provided, single submitter. Criteria: ACMG Guidelines, 2015. Collection method: research. Allele origin: germline.

NM_001145809.2(MYH14):c.4306C>T (p.Arg1436Trp)

Gene: MYH14 (myosin heavy chain 14; plus strand). Cytogenetic location: 19q13.33.
Variant type: single nucleotide variant.
Coding change: c.4306C>T on transcript NM_001145809.2 (MANE Select); coding-DNA position 4306, C replaced by T.
Protein change: p.Arg1436Trp; replaces arginine 1436 with tryptophan.
Molecular consequence: missense variant.
Genome position (GRCh38, 1-based): chr19:50,281,609, C>T. VCF-style: chr19-50281609-C-T. GRCh37 (hg19) VCF-style: chr19-50784866-C-T.
Other names: c.4183C>T (NM_024729.3); c.4207C>T, p.Arg1403Trp (NM_001077186.2); c.4183C>T, p.Arg1395Trp (NM_024729.4); c.4306C>T (NM_001145809.1); short protein forms R1395W, R1403W, R1436W.
Identifiers: ClinVar variation 1576001 (VCV001576001.11), dbSNP rs762144894, ClinGen allele CA9593480.
Genomic context (GRCh38, chr19:50,281,609, plus strand): 5'-ACTCATGGCCGTGACCACCAACCACCCTCTCTCTCCTCCCCTCAGCTTTCCGAGTGGCGG[C>T]GGCGCCAGGAGGAGGAGGCAGGGGCACTGGAGGCAGGGGAGGAGGCACGGCGCCGGGCAG-3'
Protein context (NP_001139281.1, residues 1426-1446): TAQAQLSEWR[Arg1436Trp]RQEEEAGALE